The following is an entry in ClinVar:

NM_206933.4(USH2A):c.9884G>A (p.Cys3295Tyr)

Gene: USH2A (usherin; minus strand). Cytogenetic location: 1q41.
Variant type: single nucleotide variant.
Coding change: c.9884G>A on transcript NM_206933.4 (MANE Select); coding-DNA position 9884, G replaced by A.
Protein change: p.Cys3295Tyr; replaces cysteine 3295 with tyrosine.
Molecular consequence: missense variant.
Genome position (GRCh38, 1-based): chr1:215,798,981, C>T on the plus strand (G>A on the coding strand, the complement: USH2A is on the minus strand). VCF-style: chr1-215798981-C-T. GRCh37 (hg19) VCF-style: chr1-215972323-C-T.
Other names: short protein forms C3295Y.
Identifiers: ClinVar variation 861594 (VCV000861594.9), dbSNP rs1662221668, ClinGen allele CA344848848.

ClinVar aggregate classification (germline): Uncertain significance. Review status: criteria provided, multiple submitters, no conflicts (2 of 4 stars). 3 submissions from 3 submitters: Uncertain significance (2). 1 of the submissions does not count toward it. Last evaluated 2023-02-16.

Conditions:
Retinal dystrophy. Also called: Inherited retinal dystrophy. Identifiers: Orphanet 71862, MedGen C0854723, MeSH D058499, MONDO:0019118, HP:0000556.

Submissions (3):

Blueprint Genetics
Classification: Uncertain significance. Last evaluated: 2023-02-16. Review status: criteria provided, single submitter. Criteria: ACMG Guidelines, 2015. Collection method: clinical testing. Allele origin: germline.

Labcorp Genetics (formerly Invitae), Labcorp
Classification: Uncertain significance. Last evaluated: 2021-10-21. Review status: criteria provided, single submitter. Criteria: Invitae Variant Classification Sherloc (09022015). Collection method: clinical testing. Allele origin: germline.
Comment: This sequence change replaces cysteine with tyrosine at codon 3295 of the USH2A protein (p.Cys3295Tyr). The cysteine residue is highly conserved and there is a large physicochemical difference between cysteine and tyrosine. This variant is not present in population databases (ExAC no frequency). This missense change has been observed in individual(s) with clinical features of USH2A-related conditions (Invitae). Algorithms developed to predict the effect of missense changes on protein structure and function are either unavailable or do not agree on the potential impact of this missense change (SIFT: "Deleterious"; PolyPhen-2: "Probably Damaging"; Align-GVGD: "Class C0"). In summary, the available evidence is currently insufficient to determine the role of this variant in disease. Therefore, it has been classified as a Variant of Uncertain Significance.

Institute of Human Genetics, Univ. Regensburg, Univ. Regensburg
Classification: Likely pathogenic for Retinal dystrophy. Last evaluated: 2016-01-01. Review status: no assertion criteria provided. Criteria: ACMG Guidelines, 2015. Collection method: clinical testing. Allele origin: germline. Affected: yes. Not counted in ClinVar's aggregate classification.